The following is an entry in ClinVar:

ClinVar aggregate classification (germline): Likely benign. Review status: criteria provided, multiple submitters, no conflicts (2 of 4 stars). 3 submissions from 3 submitters: Likely benign (2). 1 of the submissions does not count toward it. Last evaluated 2025-07-04.

Conditions:
CRB2-related disorder. Also called: CRB2-related condition; CRB2-related disorders.

Allele frequency attached by ClinVar (database versions not stated): ExAC 0.00001; gnomAD 0.00001; gnomAD exomes 0.00001; TOPMed 0.00003.
gnomAD v4.1: 14 of 1,613,008 alleles (0.00087%); highest among the groups gnomAD compares: Admixed American, 0.005%; no homozygotes.

Submissions (3):

Labcorp Genetics (formerly Invitae), Labcorp
Classification: Likely benign. Last evaluated: 2025-07-04. Review status: criteria provided, single submitter. Criteria: Invitae Variant Classification Sherloc (09022015). Collection method: clinical testing. Allele origin: germline.

Blueprint Genetics
Classification: Likely benign. Last evaluated: 2021-11-19. Review status: criteria provided, single submitter. Criteria: ACMG Guidelines, 2015. Collection method: clinical testing. Allele origin: germline.

PreventionGenetics, part of Exact Sciences
Classification: Likely benign for CRB2-related condition. Last evaluated: 2019-08-06. Review status: no assertion criteria provided. Collection method: clinical testing. Allele origin: germline. Not counted in ClinVar's aggregate classification.
Comment: This variant is classified as likely benign based on ACMG/AMP sequence variant interpretation guidelines (Richards et al. 2015 PMID: 25741868, with internal and published modifications).

NM_173689.7(CRB2):c.2379C>T (p.Leu793=)

Gene: CRB2 (crumbs cell polarity complex component 2; plus strand). Cytogenetic location: 9q33.3.
Variant type: single nucleotide variant.
Coding change: c.2379C>T on transcript NM_173689.7 (MANE Select); coding-DNA position 2379, C replaced by T.
Protein change: p.Leu793=; no amino-acid change (leucine 793 retained).
Molecular consequence: synonymous variant. On other transcripts: non-coding transcript variant (1).
Genome position (GRCh38, 1-based): chr9:123,371,521, C>T. VCF-style: chr9-123371521-C-T. GRCh37 (hg19) VCF-style: chr9-126133800-C-T.
Other names: c.2379C>T (NM_173689.6).
Identifiers: ClinVar variation 2140219 (VCV002140219.7), dbSNP rs773779903, ClinGen allele CA5232186.